The following is an entry in ClinVar:

ClinVar aggregate classification (germline): Uncertain significance (1 of 4 stars; one submission).

Conditions:
MHC class II deficiency. Also called: Bare lymphocyte syndrome 2; BLS, TYPE II. Identifiers: Orphanet 572, MedGen C5447452, MONDO:0008855.

gnomAD v4.1: 1 of 1,613,932 alleles (0.000062%); no homozygotes.

Submission:

Labcorp Genetics (formerly Invitae), Labcorp
Classification: Uncertain significance for MHC class II deficiency. Last evaluated: 2021-01-21. Review status: criteria provided, single submitter. Criteria: Invitae Variant Classification Sherloc (09022015). Collection method: clinical testing. Allele origin: germline.
Comment: Algorithms developed to predict the effect of sequence changes on RNA splicing suggest that this variant may create or strengthen a splice site, but this prediction has not been confirmed by published transcriptional studies. In summary, the available evidence is currently insufficient to determine the role of this variant in disease. Therefore, it has been classified as a Variant of Uncertain Significance. Algorithms developed to predict the effect of missense changes on protein structure and function are either unavailable or do not agree on the potential impact of this missense change (SIFT: "Tolerated"; PolyPhen-2: "Possibly Damaging"; Align-GVGD: "Class C0"). This variant has not been reported in the literature in individuals with RFXANK-related conditions. This variant is not present in population databases (ExAC no frequency). This sequence change replaces histidine with glutamine at codon 95 of the RFXANK protein (p.His95Gln). The histidine residue is highly conserved and there is a small physicochemical difference between histidine and glutamine.

NM_003721.4(RFXANK):c.285C>G (p.His95Gln)

Gene: RFXANK (regulatory factor X associated ankyrin containing protein; plus strand). Cytogenetic location: 19p13.11.
Variant type: single nucleotide variant.
Coding change: c.285C>G on transcript NM_003721.4 (MANE Select); coding-DNA position 285, C replaced by G.
Protein change: p.His95Gln; replaces histidine 95 with glutamine.
Molecular consequence: missense variant. On other transcripts: intron variant (4).
Genome position (GRCh38, 1-based): chr19:19,197,199, C>G. VCF-style: chr19-19197199-C-G. GRCh37 (hg19) VCF-style: chr19-19308008-C-G.
Other names: c.285C>G, p.His95Gln (NM_001370233.1, NM_001370238.1); c.282C>G, p.His94Gln (NM_001370235.1, NM_001370236.1, NM_001370237.1); c.271+153C>G (NM_001278727.2, NM_001370234.1); c.268+153C>G (NM_134440.3, NM_001278728.2); short protein forms H95Q, H94Q.
Identifiers: ClinVar variation 1504336 (VCV001504336.8), dbSNP rs770144513, ClinGen allele CA404892685.